The following is an entry in ClinVar:

NM_002941.4(ROBO1):c.2065T>C (p.Ser689Pro)

Gene: ROBO1 (roundabout guidance receptor 1; minus strand). Cytogenetic location: 3p12.3.
Variant type: single nucleotide variant.
Coding change: c.2065T>C on transcript NM_002941.4 (MANE Select); coding-DNA position 2065, T replaced by C.
Protein change: p.Ser689Pro; replaces serine 689 with proline.
Molecular consequence: missense variant.
Genome position (GRCh38, 1-based): chr3:78,662,016, A>G on the plus strand (T>C on the coding strand, the complement: ROBO1 is on the minus strand). VCF-style: chr3-78662016-A-G. GRCh37 (hg19) VCF-style: chr3-78711166-A-G.
Other names: c.1957T>C, p.Ser653Pro (NM_001145845.2, NM_133631.4); short protein forms S653P, S689P.
Identifiers: ClinVar variation 996100 (VCV000996100.3), dbSNP rs1707436610, ClinGen allele CA353665444.

ClinVar aggregate classification (germline): Uncertain significance. Review status: criteria provided, multiple submitters, no conflicts (2 of 4 stars). 2 submissions from 2 submitters: Uncertain significance (2). Last evaluated 2021-01-09.

Conditions:
Congenital anomaly of kidney and urinary tract. Also called: Congenital anomalies of kidney and urinary tract; Congenital anomalies of the kidney and urinary tract. Identifiers: Orphanet 93545, MedGen C1968949, MeSH C566906, MONDO:0019719.

Submissions (2):

Institute of Human Genetics, University of Leipzig Medical Center
Classification: Uncertain significance for Congenital anomaly of kidney and urinary tract. Last evaluated: 2021-01-09. Review status: criteria provided, single submitter. Criteria: ACMG Guidelines, 2015. Collection method: clinical testing. Allele origin: germline. Inheritance: Autosomal recessive inheritance. Affected: yes.

GeneDx
Classification: Uncertain significance. Last evaluated: 2019-04-18. Review status: criteria provided, single submitter. Criteria: GeneDx Variant Classification Process June 2021. Collection method: clinical testing. Allele origin: germline. Affected: yes.
Comment: Not observed in large population cohorts (Lek et al., 2016); In silico analysis, which includes protein predictors and evolutionary conservation, supports a deleterious effect; Has not been previously published as pathogenic or benign to our knowledge; Variants in candidate genes are classified as variants of uncertain significance in accordance with ACMG guidelines (Richards et al., 2015)